The following is an entry in ClinVar:

NM_001164508.2(NEB):c.7143C>A (p.Tyr2381Ter)

Gene: NEB (nebulin; minus strand). Cytogenetic location: 2q23.3.
Variant type: single nucleotide variant.
Coding change: c.7143C>A on transcript NM_001164508.2 (MANE Select); coding-DNA position 7143, C replaced by A.
Protein change: p.Tyr2381Ter; replaces tyrosine 2381 with a stop codon.
Molecular consequence: nonsense.
Genome position (GRCh38, 1-based): chr2:151,650,658, G>T on the plus strand (C>A on the coding strand, the complement: NEB is on the minus strand). VCF-style: chr2-151650658-G-T. GRCh37 (hg19) VCF-style: chr2-152507172-G-T.
Other names: c.7143C>A, p.Tyr2381Ter (NM_001164507.2, NM_001271208.2, NM_004543.5); short protein forms Y2381*.
Identifiers: ClinVar variation 4814780 (VCV004814780.2).
Genomic context (GRCh38, chr2:151,650,658, plus strand): 5'-CTTAGCTTGCACAACATCGTTCTGATCAGGCAGACATGTCCACTGATGCAGGTAGTTCTT[G>T]TAGTCCACGTCACTAACCAACTCCTGACACTTCTTGGCCAGTACCACTCCCAACATGTCC-3'

ClinVar aggregate classification (germline): Pathogenic/Likely pathogenic. Review status: criteria provided, multiple submitters, no conflicts (2 of 4 stars). 2 submissions from 2 submitters: Pathogenic (1); Likely pathogenic (1). Last evaluated 2025-07-14.

Conditions:
Nemaline myopathy 2 (NEM2). Also called: Nemaline myopathy 2, autosomal recessive. Identifiers: MedGen C1850569, MONDO:0009725, OMIM 256030.

Submissions (2):

Myriad Genetics, Inc.
Classification: Pathogenic for Nemaline myopathy 2. Last evaluated: 2025-07-14. Review status: criteria provided, single submitter. Criteria: Myriad Autosomal Dominant, Autosomal Recessive and X-Linked Classification Criteria (2023). Collection method: clinical testing. Allele origin: unknown.
Comment: NM_001271208.1(NEB):c.7143C>A(Y2381*) is expected to be pathogenic in the context of NEB-related nemaline myopathy. This variant is predicted to lead to an abnormal or absent protein product due to the creation of a premature termination codon in NEB, a gene where loss-of-function variants are known to be pathogenic. Please note: this variant was assessed in the context of healthy population screening.

Natera, Inc.
Classification: Likely pathogenic for Nemaline myopathy type 2. Last evaluated: 2024-08-22. Review status: criteria provided, single submitter. Criteria: Natera Variant Classification Schema (03/2026). Collection method: clinical testing. Allele origin: germline.
Comment: The c.7143C>A variant in NEB is a nonsense variant predicted to introduce a stop codon at amino acid 2381. This variant is expected to result in nonsense mediated decay, truncation, or a dysfunctional protein product. This variant is rare in the general population with a frequency below the threshold expected for the associated phenotype(s). Given the available evidence, this variant is classified as Likely Pathogenic.